The following is an entry in ClinVar:

ClinVar aggregate classification (germline): Likely pathogenic (1 of 4 stars; one submission).

Conditions:
Hereditary cancer-predisposing syndrome. Also called: Tumor predisposition; Neoplastic Syndromes, Hereditary; Hereditary neoplastic syndrome; Hereditary Cancer Syndrome. Identifiers: Orphanet 140162, MedGen C0027672, MeSH D009386, MONDO:0015356.

Submission:

Ambry Genetics
Classification: Likely pathogenic for Hereditary cancer-predisposing syndrome. Last evaluated: 2024-09-21. Review status: criteria provided, single submitter. Criteria: Ambry Variant Classification Scheme 2023. Collection method: clinical testing. Allele origin: germline.
Comment: The c.3862_3863insALU likely pathogenic variant results from the insertion of an Alu element in coding exon 25 of the ATM gene. Mobile element insertions contribute to pathogenicity by either disrupting the coding sequence or inducing aberrant splicing (Belancio VP et al. Semin. Cancer Biol. 2010 Aug;20:200-10; Deininger P et al. Genome Biol. 2011 Dec;12:236; van der Klift HM Hum Mutat. 2012 Jul;33(7):1051-5). Based on the majority of available evidence to date, this variant is likely to be pathogenic.

NM_000051.3:c.3862_3863insALU

Gene: ATM (ATM serine/threonine kinase; plus strand).
Variant type: Insertion.
Identifiers: ClinVar variation 3451119 (VCV003451119.1).